The following is an entry in ClinVar:

ClinVar aggregate classification (germline): Uncertain significance (1 of 4 stars; one submission).

Conditions:
Inborn genetic diseases. Identifiers: MedGen C0950123, MeSH D030342.

Submission:

Ambry Genetics
Classification: Uncertain significance for Inborn genetic diseases. Last evaluated: 2025-06-17. Review status: criteria provided, single submitter. Criteria: Ambry Variant Classification Scheme 2023. Collection method: clinical testing. Allele origin: germline.
Comment: The p.S506R variant (also known as c.1518C>G), located in coding exon 13 of the KDM1A gene, results from a C to G substitution at nucleotide position 1518. The serine at codon 506 is replaced by arginine, an amino acid with dissimilar properties. This amino acid position is conserved. In addition, this alteration is predicted to be tolerated by in silico analysis. Based on the available evidence, the clinical significance of this variant remains unclear.

NM_001009999.3(KDM1A):c.1518C>G (p.Ser506Arg)

Gene: KDM1A (lysine demethylase 1A; plus strand). Cytogenetic location: 1p36.12.
Variant type: single nucleotide variant.
Coding change: c.1518C>G on transcript NM_001009999.3 (MANE Select); coding-DNA position 1518, C replaced by G.
Protein change: p.Ser506Arg; replaces serine 506 with arginine.
Molecular consequence: missense variant.
Genome position (GRCh38, 1-based): chr1:23,071,329, C>G. VCF-style: chr1-23071329-C-G. GRCh37 (hg19) VCF-style: chr1-23397822-C-G.
Other names: c.1446C>G, p.Ser482Arg (NM_001363654.2, NM_001410763.1, NM_015013.4); c.1506C>G, p.Ser502Arg (NM_001410762.1); short protein forms S506R, S482R, S502R.
Identifiers: ClinVar variation 4091024 (VCV004091024.1).
Genomic context (GRCh38, chr1:23,071,329, plus strand): 5'-CAAAGAAGCATCTGAAGTAAAGCCACCCAGAGATATTACTGCCGAGTTCTTAGTGAAAAG[C>G]AAACACAGGGATCTGACCGCCCTATGCAAGGTGTGGTATACATACATGCCTAACTGGTTT-3'
Protein context (NP_001009999.1, residues 496-516): RDITAEFLVK[Ser506Arg]KHRDLTALCK